The following is an entry in ClinVar:

NM_020922.5(WNK3):c.4865T>G (p.Leu1622Trp)

Gene: WNK3 (WNK lysine deficient protein kinase 3; minus strand). Cytogenetic location: Xp11.22.
Variant type: single nucleotide variant.
Coding change: c.4865T>G on transcript NM_020922.5 (MANE Select); coding-DNA position 4865, T replaced by G.
Protein change: p.Leu1622Trp; replaces leucine 1622 with tryptophan.
Molecular consequence: missense variant. On other transcripts: intron variant (2).
Genome position (GRCh38, 1-based): chrX:54,228,719, A>C on the plus strand (T>G on the coding strand, the complement: WNK3 is on the minus strand). VCF-style: chrX-54228719-A-C. GRCh37 (hg19) VCF-style: chrX-54255152-A-C.
Other names: c.4699+4090T>G (NM_001395166.1, NM_001002838.4); short protein forms L1622W.
Identifiers: ClinVar variation 4537810 (VCV004537810.1).

ClinVar aggregate classification (germline): Uncertain significance (1 of 4 stars; one submission).

Submission:

GeneDx
Classification: Uncertain significance. Last evaluated: 2025-06-13. Review status: criteria provided, single submitter. Criteria: GeneDx Variant Classification Process June 2021. Collection method: clinical testing. Allele origin: germline. Affected: yes.
Comment: In silico analysis suggests that this missense variant does not alter protein structure/function; Has not been previously published as pathogenic or benign to our knowledge